The following is an entry in ClinVar:

NM_003073.5(SMARCB1):c.818T>G (p.Ile273Ser)

Gene: SMARCB1 (SWI/SNF related BAF chromatin remodeling complex subunit B1; plus strand). Cytogenetic location: 22q11.23.
Variant type: single nucleotide variant.
Coding change: c.818T>G on transcript NM_003073.5 (MANE Select); coding-DNA position 818, T replaced by G.
Protein change: p.Ile273Ser; replaces isoleucine 273 with serine.
Molecular consequence: missense variant.
Genome position (GRCh38, 1-based): chr22:23,825,247, T>G. VCF-style: chr22-23825247-T-G. GRCh37 (hg19) VCF-style: chr22-24167434-T-G.
Other names: c.791T>G, p.Ile264Ser (NM_001007468.3); c.845T>G, p.Ile282Ser (NM_001317946.2); c.872T>G, p.Ile291Ser (NM_001362877.2); short protein forms I273S, I282S, I264S, I291S.
Identifiers: ClinVar variation 3446067 (VCV003446067.1).
Genomic context (GRCh38, chr22:23,825,247, plus strand): 5'-CAAAAGCTCTAACTTGTGTCCTTTGGTTGTTGCCTCAGCTGAACATCCATGTGGGAAACA[T>G]TTCCCTGGTGGACCAGTTTGAGTGGGACATGTCAGAGAAGGAGAACTCACCAGAGAAGTT-3'
Protein context (NP_003064.2, residues 263-283): IIKLNIHVGN[Ile273Ser]SLVDQFEWDM

ClinVar aggregate classification (germline): Uncertain significance (1 of 4 stars; one submission).

Conditions:
Hereditary cancer-predisposing syndrome. Also called: Tumor predisposition; Neoplastic Syndromes, Hereditary; Hereditary neoplastic syndrome; Hereditary Cancer Syndrome. Identifiers: Orphanet 140162, MedGen C0027672, MeSH D009386, MONDO:0015356.

Submission:

Ambry Genetics
Classification: Uncertain significance for Hereditary cancer-predisposing syndrome. Last evaluated: 2024-06-27. Review status: criteria provided, single submitter. Criteria: Ambry Variant Classification Scheme 2023. Collection method: clinical testing. Allele origin: germline.
Comment: The p.I273S variant (also known as c.818T>G), located in coding exon 7 of the SMARCB1 gene, results from a T to G substitution at nucleotide position 818. The isoleucine at codon 273 is replaced by serine, an amino acid with dissimilar properties. This amino acid position is conserved. In addition, this alteration is predicted to be deleterious by in silico analysis. Based on the available evidence, the clinical significance of this variant remains unclear.